The following is an entry in ClinVar:

NM_005445.4(SMC3):c.92-193G>A

Gene: SMC3 (structural maintenance of chromosomes 3; plus strand). Cytogenetic location: 10q25.2.
Variant type: single nucleotide variant.
Coding change: c.92-193G>A on transcript NM_005445.4 (MANE Select); 193 bases into the intron before coding-DNA position 92, G replaced by A.
Molecular consequence: intron variant.
Genome position (GRCh38, 1-based): chr10:110,573,514, G>A. VCF-style: chr10-110573514-G-A. GRCh37 (hg19) VCF-style: chr10-112333272-G-A.
Identifiers: ClinVar variation 670110 (VCV000670110.1), dbSNP rs7083749, ClinGen allele CA213225432.
Genomic context (GRCh38, chr10:110,573,514, plus strand): 5'-CTATTGGGTAAGAGCAAACGGATCAACTGTGAAATATCTTTAAAGAAAAAACTATTAGAA[G>A]TCTGTACAAAAATTGAATTTATTTGGTGATTATAGTTGTTTTATTGGTTTCTTTTGTTCA-3'

ClinVar aggregate classification (germline): Benign (1 of 4 stars; one submission).

Allele frequency attached by ClinVar (database versions not stated): 1000 Genomes Project 30x 0.96924; 1000 Genomes Project 0.97145; TOPMed 0.97584; gnomAD 0.97960.
gnomAD v4.1: 149,003 of 152,230 alleles (98%); highest among the groups gnomAD compares: East Asian, 100%; 72,988 homozygotes.

Submission:

GeneDx
Classification: Benign. Last evaluated: 2018-06-16. Review status: criteria provided, single submitter. Criteria: GeneDx Variant Classification (06012015). Collection method: clinical testing. Allele origin: germline. Affected: yes.
Comment: This variant is considered likely benign or benign based on one or more of the following criteria: it is a conservative change, it occurs at a poorly conserved position in the protein, it is predicted to be benign by multiple in silico algorithms, and/or has population frequency not consistent with disease.